The following is an entry in ClinVar:

ClinVar aggregate classification (germline): Uncertain significance (1 of 4 stars; one submission).

Submission:

GeneDx
Classification: Uncertain significance. Last evaluated: 2025-05-01. Review status: criteria provided, single submitter. Criteria: GeneDx Variant Classification Process June 2021. Collection method: clinical testing. Allele origin: germline. Affected: yes.
Comment: Not observed at significant frequency in large population cohorts (gnomAD); In silico analysis suggests that this missense variant does not alter protein structure/function; Has not been previously published as pathogenic or benign to our knowledge

NM_005413.4(SIX3):c.929T>C (p.Leu310Pro)

Gene: SIX3 (SIX homeobox 3; plus strand). Cytogenetic location: 2p21.
Variant type: single nucleotide variant.
Coding change: c.929T>C on transcript NM_005413.4 (MANE Select); coding-DNA position 929, T replaced by C.
Protein change: p.Leu310Pro; replaces leucine 310 with proline.
Molecular consequence: missense variant.
Genome position (GRCh38, 1-based): chr2:44,944,690, T>C. VCF-style: chr2-44944690-T-C. GRCh37 (hg19) VCF-style: chr2-45171829-T-C.
Other names: short protein forms L310P.
Identifiers: ClinVar variation 4527632 (VCV004527632.1).